The following is an entry in ClinVar:

ClinVar aggregate classification (germline): Pathogenic. Review status: criteria provided, multiple submitters, no conflicts (2 of 4 stars). 2 submissions from 2 submitters: Pathogenic (2). Last evaluated 2021-11-01.

Conditions:
Camptomelic dysplasia (CMPD). Also called: Campomelic Dysplasia; CMPD1/SRA1. Identifiers: Orphanet 140, MedGen C1861922, MONDO:0007251, OMIM 114290.

Submissions (2):

Genetics and Molecular Pathology, SA Pathology
Classification: Pathogenic for Camptomelic dysplasia. Last evaluated: 2021-11-01. Review status: criteria provided, single submitter. Criteria: ACMG Guidelines, 2015. Collection method: clinical testing. Allele origin: germline. Affected: yes.
Comment: The SOX9 c.432-2A>T variant is located at the splice acceptor site in intron 1. Computational predictions support a deleterious effect on splicing and a likely disruption of the protein reading frame and non-sense mediated decay of the resulting protein product (PVS1). This variant has been identified as a de novo variant with no family history of this condition (PS2). This variant is absent from population databases (PM2). This variant has not been reported in dbSNP. The variant has been reported as pathogenic by other diagnostic laboratories (ClinVar Variation ID: 948349). Other variants at this position have been described in patients with campomelic dysplasia and autosomal sex reversal (PMID: 7485151; PMID:25983619) (PS1_supporting).

Labcorp Genetics (formerly Invitae), Labcorp
Classification: Pathogenic for Camptomelic dysplasia. Last evaluated: 2019-05-01. Review status: criteria provided, single submitter. Criteria: Invitae Variant Classification Sherloc (09022015). Collection method: clinical testing. Allele origin: germline.
Comment: This sequence change affects an acceptor splice site in intron 1 of the SOX9 gene. It is expected to disrupt RNA splicing and likely results in an absent or disrupted protein product. This variant is not present in population databases (ExAC no frequency). disruption of this splice site has been observed in individuals affected with campomelic dysplasia (PMID: 7485151, 25983619) in one of whom it was observed de novo (PMID: 7485151). Donor and acceptor splice site variants typically lead to a loss of protein function (PMID: 16199547), and loss-of-function variants in SOX9 are known to be pathogenic (PMID: 9002675, 11371614, 25983619). For these reasons, this variant has been classified as Pathogenic.

Literature cited by the submitters: PubMed 7485151 (cited by Genetics and Molecular Pathology, SA Pathology and Labcorp Genetics (formerly Invitae), Labcorp); PubMed 25983619 (cited by Genetics and Molecular Pathology, SA Pathology and Labcorp Genetics (formerly Invitae), Labcorp); PubMed 11371614 (cited by Labcorp Genetics (formerly Invitae), Labcorp); PubMed 9002675 (cited by Labcorp Genetics (formerly Invitae), Labcorp).

NM_000346.4(SOX9):c.432-2A>T

Gene: SOX9 (SRY-box transcription factor 9; plus strand). Cytogenetic location: 17q24.3.
Variant type: single nucleotide variant.
Coding change: c.432-2A>T on transcript NM_000346.4 (MANE Select); the canonical splice acceptor site of the intron before coding-DNA position 432, A replaced by T.
Molecular consequence: splice acceptor variant.
Genome position (GRCh38, 1-based): chr17:72,122,717, A>T. VCF-style: chr17-72122717-A-T. GRCh37 (hg19) VCF-style: chr17-70118858-A-T.
Identifiers: ClinVar variation 948349 (VCV000948349.3), dbSNP rs1908139210, ClinGen allele CA400866275.
Genomic context (GRCh38, chr17:72,122,717, plus strand): 5'-TGGCGGATTTCACTGACCCCTCTCCCTCTTTTTCTCTGTGCCCCCCGCCCCGCCCCGAGC[A>T]GACTTCTGAACGAGAGCGAGAAGCGGCCCTTCGTGGAGGAGGCGGAGCGGCTGCGCGTGC-3'